The following is an entry in ClinVar:

NM_013275.6(ANKRD11):c.5806G>A (p.Glu1936Lys)

Gene: ANKRD11 (ankyrin repeat domain 11; minus strand). Cytogenetic location: 16q24.3.
Variant type: single nucleotide variant.
Coding change: c.5806G>A on transcript NM_013275.6 (MANE Select); coding-DNA position 5806, G replaced by A.
Protein change: p.Glu1936Lys; replaces glutamic acid 1936 with lysine.
Molecular consequence: missense variant.
Genome position (GRCh38, 1-based): chr16:89,280,736, C>T on the plus strand (G>A on the coding strand, the complement: ANKRD11 is on the minus strand). VCF-style: chr16-89280736-C-T. GRCh37 (hg19) VCF-style: chr16-89347144-C-T.
Other names: c.5806G>A, p.Glu1936Lys (NM_001256182.2, NM_001256183.2); short protein forms E1936K.
Identifiers: ClinVar variation 2043150 (VCV002043150.4), dbSNP rs765986335, ClinGen allele CA8241713.

ClinVar aggregate classification (germline): Uncertain significance (1 of 4 stars; one submission).

Conditions:
KBG syndrome (KBGS). Also called: ANKRD11-Related KBG Syndrome. Identifiers: Orphanet 2332, MedGen C0220687, MONDO:0007846, OMIM 148050.

Allele frequency attached by ClinVar (database versions not stated): gnomAD exomes below 0.00001; ExAC 0.00001; TOPMed 0.00001.
gnomAD v4.1: 7 of 1,613,444 alleles (0.00043%); highest among the groups gnomAD compares: Non-Finnish European, 0.00051%; no homozygotes.

Submission:

Labcorp Genetics (formerly Invitae), Labcorp
Classification: Uncertain significance for KBG syndrome. Last evaluated: 2023-10-03. Review status: criteria provided, single submitter. Criteria: Invitae Variant Classification Sherloc (09022015). Collection method: clinical testing. Allele origin: germline.
Comment: This sequence change replaces glutamic acid, which is acidic and polar, with lysine, which is basic and polar, at codon 1936 of the ANKRD11 protein (p.Glu1936Lys). This variant is present in population databases (rs765986335, gnomAD 0.0009%). This variant has not been reported in the literature in individuals affected with ANKRD11-related conditions. ClinVar contains an entry for this variant (Variation ID: 2043150). Advanced modeling of protein sequence and biophysical properties (such as structural, functional, and spatial information, amino acid conservation, physicochemical variation, residue mobility, and thermodynamic stability) performed at Invitae indicates that this missense variant is not expected to disrupt ANKRD11 protein function. In summary, the available evidence is currently insufficient to determine the role of this variant in disease. Therefore, it has been classified as a Variant of Uncertain Significance.